The following is an entry in ClinVar:

NM_000796.6(DRD3):c.406G>A (p.Val136Ile)

Gene: DRD3 (dopamine receptor D3; minus strand). Cytogenetic location: 3q13.31.
Variant type: single nucleotide variant.
Coding change: c.406G>A on transcript NM_000796.6 (MANE Select); coding-DNA position 406, G replaced by A.
Protein change: p.Val136Ile; replaces valine 136 with isoleucine.
Molecular consequence: missense variant.
Genome position (GRCh38, 1-based): chr3:114,147,535, C>T on the plus strand (G>A on the coding strand, the complement: DRD3 is on the minus strand). VCF-style: chr3-114147535-C-T. GRCh37 (hg19) VCF-style: chr3-113866382-C-T.
Other names: c.406G>A, p.Val136Ile (NM_001282563.2, NM_001290809.1, NM_033663.6); short protein forms V136I.
Identifiers: ClinVar variation 899696 (VCV000899696.5), dbSNP rs145218071, ClinGen allele CA2550604.

ClinVar aggregate classification (germline): Conflicting classifications of pathogenicity. Review status: criteria provided, conflicting classifications (1 of 4 stars). 2 submissions from 2 submitters: Uncertain significance (1); Likely benign (1). Last evaluated 2025-08-06.

Conditions:
Tremor, hereditary essential, 1 (ETM1). Also called: Familial essential tremor. Identifiers: MedGen C1860861, MONDO:0008590, OMIM 190300.

Allele frequency attached by ClinVar (database versions not stated): gnomAD 0.00006 and 0.00018; TOPMed 0.00006; ESP Exome Variant Server 0.00008; 1000 Genomes Project 30x 0.00031; 1000 Genomes Project 0.00040; gnomAD exomes 0.00055; ExAC 0.00060.
gnomAD v4.1: 503 of 1,613,724 alleles (0.031%); highest among the groups gnomAD compares: South Asian, 0.46%; 11 homozygotes.

Submissions (2):

Ambry Genetics
Classification: Uncertain significance. Last evaluated: 2025-08-06. Review status: criteria provided, single submitter. Criteria: Ambry Variant Classification Scheme 2023. Collection method: clinical testing. Allele origin: germline.

Illumina Laboratory Services, Illumina
Classification: Likely benign for Tremor, hereditary essential, 1. Last evaluated: 2018-01-13. Review status: criteria provided, single submitter. Criteria: ICSL Variant Classification Criteria 13 December 2019. Collection method: clinical testing. Allele origin: germline.
Comment: This variant was observed in the ICSL laboratory as part of a predisposition screen in an ostensibly healthy population. It had not been previously curated by ICSL or reported in the Human Gene Mutation Database (HGMD: prior to June 1st, 2018), and was therefore a candidate for classification through an automated scoring system. Utilizing variant allele frequency, disease prevalence and penetrance estimates, and inheritance mode, an automated score was calculated to assess if this variant is too frequent to cause the disease. Based on the score and internal cut-off values, a variant classified as likely benign is not then subjected to further curation. The score for this variant resulted in a classification of likely benign for this disease.